The following is an entry in ClinVar:

ClinVar aggregate classification (germline): Conflicting classifications of pathogenicity. Review status: criteria provided, conflicting classifications (1 of 4 stars). 11 submissions from 11 submitters: Uncertain significance (1); Benign (4); Likely benign (6). Last evaluated 2026-09-01.

Conditions:
Norman-Roberts syndrome (LIS2). Also called: Lissencephaly 2 (Norman-Roberts type). Identifiers: Orphanet 89844, MedGen C0796089, MONDO:0009760, OMIM 257320.
Familial temporal lobe epilepsy 7. Identifiers: Orphanet 101046, MedGen C4225327, MONDO:0014639, OMIM 616436.

Allele frequency attached by ClinVar (database versions not stated): ExAC 0.00269; 1000 Genomes Project 0.00100; gnomAD exomes 0.00247 and 0.00409; gnomAD 0.00268 and 0.00287; 1000 Genomes Project 30x 0.00078; TOPMed 0.00266; ESP Exome Variant Server 0.00338.
gnomAD v4.1: 6,351 of 1,613,996 alleles (0.39%); highest among the groups gnomAD compares: Non-Finnish European, 0.5%; 17 homozygotes.

Submissions (11):

CeGaT Center for Human Genetics Tuebingen
Classification: Benign. Last evaluated: 2026-09-01. Review status: criteria provided, single submitter. Criteria: CeGaT Center For Human Genetics Tuebingen Variant Classification Criteria Version 2. Collection method: clinical testing. Allele origin: germline. Affected: yes. Observed: 65 variant alleles.
Comment: RELN: BS1, BS2

Labcorp Genetics (formerly Invitae), Labcorp
Classification: Likely benign for Familial temporal lobe epilepsy 7; Norman-Roberts syndrome. Last evaluated: 2026-02-03. Review status: criteria provided, single submitter. Criteria: Invitae Variant Classification Sherloc (09022015). Collection method: clinical testing. Allele origin: germline.

Mayo Clinic Laboratories, Mayo Clinic
Classification: Benign. Last evaluated: 2025-06-02. Review status: criteria provided, single submitter. Criteria: ACMG Guidelines, 2015. Collection method: clinical testing. Allele origin: germline. Observed: 3 variant alleles.
Comment: BS1, BS2

Blueprint Genetics
Classification: Likely benign. Last evaluated: 2024-11-20. Review status: criteria provided, single submitter. Criteria: ACMG Guidelines, 2015. Collection method: clinical testing. Allele origin: germline.

Athena Diagnostics
Classification: Benign. Last evaluated: 2024-04-05. Review status: criteria provided, single submitter. Criteria: Athena Diagnostics Criteria. Collection method: clinical testing. Allele origin: unknown.

Institute for Clinical Genetics, University Hospital TU Dresden, University Hospital TU Dresden
Classification: Uncertain significance. Last evaluated: 2021-11-03. Review status: criteria provided, single submitter. Criteria: ACMG Guidelines, 2015. Collection method: clinical testing. Allele origin: germline.

GeneDx
Classification: Likely benign. Last evaluated: 2020-10-23. Review status: criteria provided, single submitter. Criteria: GeneDx Variant Classification Process June 2021. Collection method: clinical testing. Allele origin: germline. Affected: yes.
Comment: This variant is associated with the following publications: (PMID: 25648840, 26302956)

Mendelics
Classification: Benign for Norman-Roberts syndrome. Last evaluated: 2019-05-28. Review status: criteria provided, single submitter. Criteria: Mendelics Assertion Criteria 2017. Collection method: clinical testing. Allele origin: unknown.

Illumina Laboratory Services, Illumina
Classification: Likely benign for Norman-Roberts syndrome. Last evaluated: 2017-05-09. Review status: criteria provided, single submitter. Criteria: ICSL Variant Classification Criteria 13 December 2019. Collection method: clinical testing. Allele origin: germline.
Comment: This variant was observed as part of a predisposition screen in an ostensibly healthy population. A literature search was performed for the gene, cDNA change, and amino acid change (where applicable). No publications were found based on this search. Allele frequency data from public databases allowed determination this variant is unlikely to cause disease. Therefore, this variant is classified as likely benign.

Genetic Services Laboratory, University of Chicago
Classification: Likely benign. Last evaluated: 2017-01-27. Review status: criteria provided, single submitter. Criteria: ACMG Guidelines, 2015. Collection method: clinical testing. Allele origin: germline. Affected: no.

Eurofins Ntd Llc (ga)
Classification: Likely benign. Last evaluated: 2014-09-10. Review status: criteria provided, single submitter. Criteria: EGL Classification Definitions 2015. Collection method: clinical testing. Allele origin: germline. Observed: 5 variant alleles, 5 heterozygotes.

Literature cited by the submitters: PubMed 25648840 (cited by Mayo Clinic Laboratories, Mayo Clinic and Athena Diagnostics); PubMed 26302956 (cited by Mayo Clinic Laboratories, Mayo Clinic and Athena Diagnostics); PubMed 29358611 (cited by Mayo Clinic Laboratories, Mayo Clinic and Athena Diagnostics); PubMed 34426522 (cited by Mayo Clinic Laboratories, Mayo Clinic).

NM_005045.4(RELN):c.3651C>G (p.Ile1217Met)

Gene: RELN (reelin; minus strand). Cytogenetic location: 7q22.1.
Variant type: single nucleotide variant.
Coding change: c.3651C>G on transcript NM_005045.4 (MANE Select); coding-DNA position 3651, C replaced by G.
Protein change: p.Ile1217Met; replaces isoleucine 1217 with methionine.
Molecular consequence: missense variant.
Genome position (GRCh38, 1-based): chr7:103,594,381, G>C on the plus strand (C>G on the coding strand, the complement: RELN is on the minus strand). VCF-style: chr7-103594381-G-C. GRCh37 (hg19) VCF-style: chr7-103234828-G-C.
Other names: c.3651C>G, p.Ile1217Met (NM_173054.3); short protein forms I1217M.
Identifiers: ClinVar variation 95218 (VCV000095218.68), dbSNP rs56342240, ClinGen allele CA200246.